The following is an entry in ClinVar:

ClinVar aggregate classification (germline): Likely pathogenic (1 of 4 stars; one submission).

Submission:

Labcorp Genetics (formerly Invitae), Labcorp
Classification: Likely pathogenic. Last evaluated: 2024-05-09. Review status: criteria provided, single submitter. Criteria: Invitae Variant Classification Sherloc (09022015). Collection method: clinical testing. Allele origin: germline.
Comment: This sequence change affects a donor splice site in intron 8 of the FERMT1 gene. It is expected to disrupt RNA splicing. Variants that disrupt the donor or acceptor splice site typically lead to a loss of protein function (PMID: 16199547), and loss-of-function variants in FERMT1 are known to be pathogenic (PMID: 14962093, 21936020). This variant is not present in population databases (gnomAD no frequency). This variant has not been reported in the literature in individuals affected with FERMT1-related conditions. Algorithms developed to predict the effect of sequence changes on RNA splicing suggest that this variant may disrupt the consensus splice site. In summary, the currently available evidence indicates that the variant is pathogenic, but additional data are needed to prove that conclusively. Therefore, this variant has been classified as Likely Pathogenic.

Literature cited by the submitters: PubMed 16199547; PubMed 14962093; PubMed 21936020.

NM_017671.5(FERMT1):c.1089+1G>T

Gene: FERMT1 (FERM domain containing kindlin 1; minus strand). Cytogenetic location: 20p12.3.
Variant type: single nucleotide variant.
Coding change: c.1089+1G>T on transcript NM_017671.5 (MANE Select); the canonical splice donor site of the intron after coding-DNA position 1089, G replaced by T.
Molecular consequence: splice donor variant.
Genome position (GRCh38, 1-based): chr20:6,096,901, C>A on the plus strand (G>T on the coding strand, the complement: FERMT1 is on the minus strand). VCF-style: chr20-6096901-C-A. GRCh37 (hg19) VCF-style: chr20-6077548-C-A.
Identifiers: ClinVar variation 3644308 (VCV003644308.2).
Genomic context (GRCh38, chr20:6,096,901, plus strand): 5'-TCATTTATACTTGTCAATCAGAAGAAAGCCACAGTTCTGGGTGATCAGAAAAAGTTCATA[C>A]CAAAAGGCTGTCCGCTTTTCCACCTTCTAGGGTTACTTCCAAATTAGAAAGCGCCGCTTC-3'